The following is an entry in ClinVar:

NM_001197104.2(KMT2A):c.4147C>G (p.Leu1383Val)

Gene: KMT2A (lysine methyltransferase 2A; plus strand). Cytogenetic location: 11q23.3.
Variant type: single nucleotide variant.
Coding change: c.4147C>G on transcript NM_001197104.2 (MANE Select); coding-DNA position 4147, C replaced by G.
Protein change: p.Leu1383Val; replaces leucine 1383 with valine.
Molecular consequence: missense variant.
Genome position (GRCh38, 1-based): chr11:118,484,243, C>G. VCF-style: chr11-118484243-C-G. GRCh37 (hg19) VCF-style: chr11-118354958-C-G.
Other names: c.4147C>G, p.Leu1383Val (NM_005933.4); short protein forms L1383V.
Identifiers: ClinVar variation 1695748 (VCV001695748.31), dbSNP rs782199067, ClinGen allele CA6303796.

ClinVar aggregate classification (germline): Uncertain significance. Review status: criteria provided, multiple submitters, no conflicts (2 of 4 stars). 3 submissions from 3 submitters: Uncertain significance (3). Last evaluated 2023-01-01.

Allele frequency attached by ClinVar (database versions not stated): gnomAD exomes below 0.00001 and 0.00001; ExAC 0.00001.
gnomAD v4.1: 3 of 1,614,146 alleles (0.00019%); highest among the groups gnomAD compares: Non-Finnish European, 0.00025%; no homozygotes.

Submissions (3):

CeGaT Center for Human Genetics Tuebingen
Classification: Uncertain significance. Last evaluated: 2023-01-01. Review status: criteria provided, single submitter. Criteria: CeGaT Center For Human Genetics Tuebingen Variant Classification Criteria Version 2. Collection method: clinical testing. Allele origin: germline. Affected: yes. Observed: 1 variant allele.

Labcorp Genetics (formerly Invitae), Labcorp
Classification: Uncertain significance. Last evaluated: 2022-10-07. Review status: criteria provided, single submitter. Criteria: Invitae Variant Classification Sherloc (09022015). Collection method: clinical testing. Allele origin: germline.
Comment: In summary, the available evidence is currently insufficient to determine the role of this variant in disease. Therefore, it has been classified as a Variant of Uncertain Significance. Advanced modeling of protein sequence and biophysical properties (such as structural, functional, and spatial information, amino acid conservation, physicochemical variation, residue mobility, and thermodynamic stability) has been performed at Invitae for this missense variant, however the output from this modeling did not meet the statistical confidence thresholds required to predict the impact of this variant on KMT2A protein function. ClinVar contains an entry for this variant (Variation ID: 1695748). This variant has not been reported in the literature in individuals affected with KMT2A-related conditions. This variant is present in population databases (rs782199067, gnomAD 0.002%). This sequence change replaces leucine, which is neutral and non-polar, with valine, which is neutral and non-polar, at codon 1383 of the KMT2A protein (p.Leu1383Val).

GeneDx
Classification: Uncertain significance. Last evaluated: 2022-01-05. Review status: criteria provided, single submitter. Criteria: GeneDx Variant Classification Process June 2021. Collection method: clinical testing. Allele origin: germline. Affected: yes.
Comment: In silico analysis supports that this missense variant does not alter protein structure/function; Has not been previously published as pathogenic or benign to our knowledge